The following is an entry in ClinVar:

NM_004364.5(CEBPA):c.457C>T (p.Pro153Ser)

Gene: CEBPA (CCAAT enhancer binding protein alpha; minus strand). Cytogenetic location: 19q13.11.
Variant type: single nucleotide variant.
Coding change: c.457C>T on transcript NM_004364.5 (MANE Select); coding-DNA position 457, C replaced by T.
Protein change: p.Pro153Ser; replaces proline 153 with serine.
Molecular consequence: missense variant.
Genome position (GRCh38, 1-based): chr19:33,301,958, G>A on the plus strand (C>T on the coding strand, the complement: CEBPA is on the minus strand). VCF-style: chr19-33301958-G-A. GRCh37 (hg19) VCF-style: chr19-33792864-G-A.
Other names: c.100C>T, p.Pro34Ser (NM_001285829.2); c.562C>T, p.Pro188Ser (NM_001287424.2); c.415C>T, p.Pro139Ser (NM_001287435.2); c.457C>T (NM_004364.3); short protein forms P153S, P188S, P34S, P139S.
Identifiers: ClinVar variation 1518319 (VCV001518319.9), dbSNP rs2145261985, ClinGen allele CA405274912.
Genomic context (GRCh38, chr19:33,301,958, plus strand): 5'-GCTGCTTGGCTTCATCCTCCTCGCGGGGCTCCTGCTTGATCACCAGCGGCCGCAGCGCCG[G>A]CGCCCCGACGCGCTCGTACAGGGGCTCCAGCCTGCCGTCCAGGTAGCCGGCGGCCGCGCA-3'
Protein context (NP_004355.2, residues 143-163): LEPLYERVGA[Pro153Ser]ALRPLVIKQE

ClinVar aggregate classification (germline): Conflicting classifications of pathogenicity. Review status: criteria provided, conflicting classifications (1 of 4 stars). 2 submissions from 2 submitters: Uncertain significance (1); Likely benign (1). Last evaluated 2025-04-25.

Conditions:
Acute myeloid leukemia (AML). Also called: Leukemia, acute myeloid, somatic; Leukemia, acute myelogenous, somatic; Acute myeloid leukemia, adult; AML adult; Acute non-lymphocytic leukemia; Acute granulocytic leukemia. Identifiers: Orphanet 519, MedGen C0023467, MeSH D015470, MONDO:0018874, OMIM 601626, HP:0004808. Disease mechanism: Constitutively activated FLT3.
Inborn genetic diseases. Identifiers: MedGen C0950123, MeSH D030342.

gnomAD v4.1: 1 of 1,217,120 alleles (0.000082%); highest among the groups gnomAD compares: Non-Finnish European, 0.0001%; no homozygotes.

Submissions (2):

Ambry Genetics
Classification: Likely benign for Inborn genetic diseases. Last evaluated: 2025-04-25. Review status: criteria provided, single submitter. Criteria: Ambry Variant Classification Scheme 2023. Collection method: clinical testing. Allele origin: germline.

Labcorp Genetics (formerly Invitae), Labcorp
Classification: Uncertain significance for Acute myeloid leukemia. Last evaluated: 2021-03-26. Review status: criteria provided, single submitter. Criteria: Invitae Variant Classification Sherloc (09022015). Collection method: clinical testing. Allele origin: germline.
Comment: In summary, the available evidence is currently insufficient to determine the role of this variant in disease. Therefore, it has been classified as a Variant of Uncertain Significance. Algorithms developed to predict the effect of missense changes on protein structure and function (SIFT, PolyPhen-2, Align-GVGD) all suggest that this variant is likely to be tolerated, but these predictions have not been confirmed by published functional studies and their clinical significance is uncertain. This variant has not been reported in the literature in individuals with CEBPA-related conditions. The frequency data for this variant in the population databases is considered unreliable, as metrics indicate insufficient coverage at this position in the ExAC database. This sequence change replaces proline with serine at codon 153 of the CEBPA protein (p.Pro153Ser). The proline residue is moderately conserved and there is a moderate physicochemical difference between proline and serine.